The following is an entry in ClinVar:

NM_000179.3(MSH6):c.1293A>C (p.Lys431Asn)

Gene: MSH6 (mutS homolog 6; plus strand). Cytogenetic location: 2p16.3.
Variant type: single nucleotide variant.
Coding change: c.1293A>C on transcript NM_000179.3 (MANE Select); coding-DNA position 1293, A replaced by C.
Protein change: p.Lys431Asn; replaces lysine 431 with asparagine.
Molecular consequence: missense variant.
Genome position (GRCh38, 1-based): chr2:47,799,276, A>C. VCF-style: chr2-47799276-A-C. GRCh37 (hg19) VCF-style: chr2-48026415-A-C.
Other names: c.1293A>C, p.Lys431Asn (NM_001406798.1, NM_001406800.1, NM_001406803.1 and 4 more transcripts); c.768A>C, p.Lys256Asn (NM_001406799.1, NM_001406806.1, NM_001406807.1); c.996A>C, p.Lys332Asn (NM_001406801.1, NM_001406805.1, NM_001406818.1 and 10 more transcripts); c.1389A>C, p.Lys463Asn (NM_001406802.1, NM_001406795.1); c.1215A>C, p.Lys405Asn (NM_001406804.1); c.387A>C, p.Lys129Asn (NM_001406823.1, NM_001406829.1, NM_001281493.2 and 6 more transcripts); c.1125A>C, p.Lys375Asn (NM_001406826.1); c.903A>C, p.Lys301Asn (NM_001281492.2); and 1 more; short protein forms K129N, K256N, K301N, K332N, K375N, K405N, K431N, K433N.
Identifiers: ClinVar variation 1721809 (VCV001721809.8), dbSNP rs1553412731, ClinGen allele CA346744205.

ClinVar aggregate classification (germline): Uncertain significance. Review status: criteria provided, multiple submitters, no conflicts (2 of 4 stars). 3 submissions from 3 submitters: Uncertain significance (3). Last evaluated 2026-04-05.

Conditions:
Hereditary nonpolyposis colorectal neoplasms. Identifiers: MedGen C0009405, MeSH D003123.
Hereditary cancer-predisposing syndrome. Also called: Hereditary Cancer Syndrome; Neoplastic Syndromes, Hereditary; Hereditary neoplastic syndrome; Tumor predisposition. Identifiers: Orphanet 140162, MedGen C0027672, MeSH D009386, MONDO:0015356.

Submissions (3):

Ambry Genetics
Classification: Uncertain significance for Hereditary cancer-predisposing syndrome. Last evaluated: 2026-04-05. Review status: criteria provided, single submitter. Criteria: Ambry Variant Classification Scheme 2023. Collection method: clinical testing. Allele origin: germline.
Comment: The p.K431N variant (also known as c.1293A>C), located in coding exon 4 of the MSH6 gene, results from an A to C substitution at nucleotide position 1293. The lysine at codon 431 is replaced by asparagine, an amino acid with similar properties. This amino acid position is conserved. In addition, the in silico prediction for this alteration is inconclusive. Based on the available evidence, the clinical significance of this variant remains unclear.

Labcorp Genetics (formerly Invitae), Labcorp
Classification: Uncertain significance for Hereditary nonpolyposis colorectal neoplasms. Last evaluated: 2024-11-22. Review status: criteria provided, single submitter. Criteria: Invitae Variant Classification Sherloc (09022015). Collection method: clinical testing. Allele origin: germline.
Comment: This sequence change replaces lysine, which is basic and polar, with asparagine, which is neutral and polar, at codon 431 of the MSH6 protein (p.Lys431Asn). This variant is not present in population databases (gnomAD no frequency). This variant has not been reported in the literature in individuals affected with MSH6-related conditions. ClinVar contains an entry for this variant (Variation ID: 1721809). Invitae Evidence Modeling of protein sequence and biophysical properties (such as structural, functional, and spatial information, amino acid conservation, physicochemical variation, residue mobility, and thermodynamic stability) has been performed for this missense variant. However, the output from this modeling did not meet the statistical confidence thresholds required to predict the impact of this variant on MSH6 protein function. In summary, the available evidence is currently insufficient to determine the role of this variant in disease. Therefore, it has been classified as a Variant of Uncertain Significance.

Quest Diagnostics Nichols Institute San Juan Capistrano
Classification: Uncertain significance. Last evaluated: 2024-11-19. Review status: criteria provided, single submitter. Criteria: Quest Diagnostics criteria. Collection method: clinical testing. Allele origin: unknown.
Comment: The MSH6 c.1293A>C (p.Lys431Asn) variant has not been reported in individuals with MSH6-related conditions in the published literature. It also has not been reported in large, multi-ethnic general populations (Genome Aggregation Database). Analysis of this variant using bioinformatics tools for the prediction of the effect of amino acid changes on protein structure and function yielded predictions that this variant is damaging. Based on the available information, we are unable to determine the clinical significance of this variant.